The following is an entry in ClinVar:

NM_017617.5(NOTCH1):c.3694G>T (p.Val1232Leu)

Gene: NOTCH1 (notch receptor 1; minus strand). Cytogenetic location: 9q34.3.
Variant type: single nucleotide variant.
Coding change: c.3694G>T on transcript NM_017617.5 (MANE Select); coding-DNA position 3694, G replaced by T.
Protein change: p.Val1232Leu; replaces valine 1232 with leucine.
Molecular consequence: missense variant.
Genome position (GRCh38, 1-based): chr9:136,506,923, C>A on the plus strand (G>T on the coding strand, the complement: NOTCH1 is on the minus strand). VCF-style: chr9-136506923-C-A. GRCh37 (hg19) VCF-style: chr9-139401375-C-A.
Other names: short protein forms V1232L.
Identifiers: ClinVar variation 1733988 (VCV001733988.2), dbSNP rs750169914, ClinGen allele CA375549541.

ClinVar aggregate classification (germline): Uncertain significance (1 of 4 stars; one submission).

Conditions:
Familial thoracic aortic aneurysm and aortic dissection (TAAD). Also called: Thoracic aortic aneurysms and dissections. Identifiers: Orphanet 91387, MedGen C4707243, MONDO:0019625.

Submission:

Ambry Genetics
Classification: Uncertain significance for Familial thoracic aortic aneurysm and aortic dissection. Last evaluated: 2022-08-01. Review status: criteria provided, single submitter. Criteria: Ambry Variant Classification Scheme 2023. Collection method: clinical testing. Allele origin: germline.
Comment: The p.V1232L variant (also known as c.3694G>T), located in coding exon 23 of the NOTCH1 gene, results from a G to T substitution at nucleotide position 3694. The valine at codon 1232 is replaced by leucine, an amino acid with highly similar properties. This amino acid position is conserved. In addition, this alteration is predicted to be tolerated by in silico analysis. Since supporting evidence is limited at this time, the clinical significance of this alteration remains unclear.